The following is an entry in ClinVar:

NM_000038.6(APC):c.2278C>T (p.Leu760=)

Gene: APC (APC regulator of Wnt signaling pathway; plus strand). Cytogenetic location: 5q22.2.
Variant type: single nucleotide variant.
Coding change: c.2278C>T on transcript NM_000038.6 (MANE Select); coding-DNA position 2278, C replaced by T.
Protein change: p.Leu760=; no amino-acid change (leucine 760 retained).
Molecular consequence: synonymous variant. On other transcripts: non-coding transcript variant (2).
Genome position (GRCh38, 1-based): chr5:112,837,872, C>T. VCF-style: chr5-112837872-C-T. GRCh37 (hg19) VCF-style: chr5-112173569-C-T.
Other names: c.2278C>T, p.Leu760= (NM_001127510.3, NM_001354895.2, NM_001407450.1); c.2224C>T, p.Leu742= (NM_001127511.3); c.2332C>T, p.Leu778= (NM_001354896.2, NM_001407447.1, NM_001407448.1 and 1 more transcripts); c.2308C>T, p.Leu770= (NM_001354897.2); c.2203C>T, p.Leu735= (NM_001354898.2); c.2194C>T, p.Leu732= (NM_001354899.2); c.2155C>T, p.Leu719= (NM_001354900.2); c.2101C>T, p.Leu701= (NM_001354901.2, NM_001407453.1); and 11 more.
Identifiers: ClinVar variation 3148206 (VCV003148206.1), dbSNP rs1048798213, ClinGen allele CA445963312.

ClinVar aggregate classification (germline): Benign (1 of 4 stars; one submission).

Conditions:
Familial adenomatous polyposis 1 (FAP1). Also called: POLYPOSIS, ADENOMATOUS INTESTINAL; FAMILIAL ADENOMATOUS POLYPOSIS 1, ATTENUATED. Identifiers: MedGen C2713442, MONDO:0021056, OMIM 175100. Disease mechanism: loss of function.

Submission:

Myriad Genetics, Inc.
Classification: Benign for Familial adenomatous polyposis 1. Last evaluated: 2024-03-11. Review status: criteria provided, single submitter. Criteria: Myriad Autosomal Dominant, Autosomal Recessive and X-Linked Classification Criteria (2023). Collection method: clinical testing. Allele origin: unknown.
Comment: This variant is considered benign. This variant is a silent/synonymous amino acid change and it is not expected to impact splicing.